The following is an entry in ClinVar:

ClinVar aggregate classification (germline): Likely benign (1 of 4 stars; one submission).

Allele frequency attached by ClinVar (database versions not stated): 1000 Genomes Project 0.00819; gnomAD 0.00824 and 0.00881; 1000 Genomes Project 30x 0.00890; TOPMed 0.00907.
gnomAD v4.1: 1,238 of 152,186 alleles (0.81%); highest among the groups gnomAD compares: African/African-American, 2.8%; 24 homozygotes.

Submission:

GeneDx
Classification: Likely benign. Last evaluated: 2018-06-14. Review status: criteria provided, single submitter. Criteria: GeneDx Variant Classification (06012015). Collection method: clinical testing. Allele origin: germline. Affected: yes.
Comment: This variant is considered likely benign or benign based on one or more of the following criteria: it is a conservative change, it occurs at a poorly conserved position in the protein, it is predicted to be benign by multiple in silico algorithms, and/or has population frequency not consistent with disease.

NM_001042492.3(NF1):c.3197+505C>T

Gene: NF1 (neurofibromin 1; plus strand). Cytogenetic location: 17q11.2.
Variant type: single nucleotide variant.
Coding change: c.3197+505C>T on transcript NM_001042492.3 (MANE Select); 505 bases into the intron after coding-DNA position 3197, C replaced by T.
Molecular consequence: intron variant.
Genome position (GRCh38, 1-based): chr17:31,231,430, C>T. VCF-style: chr17-31231430-C-T. GRCh37 (hg19) VCF-style: chr17-29558448-C-T.
Other names: c.3197+505C>T (NM_000267.4).
Identifiers: ClinVar variation 561909 (VCV000561909.1), dbSNP rs17883940, ClinGen allele CA289337292.
Genomic context (GRCh38, chr17:31,231,430, plus strand): 5'-AAAATGATTAAACACTATGGACTGTATAATAAGCATTCACATATGTTTCTTTGACCAAGC[C>T]TAGCTTTATAATACAGTCTTCTCTGTCAGGGATTGGTTCCAAGAACCACTCCCCAAACCC-3'